The following is an entry in ClinVar:

NM_133259.4(LRPPRC):c.3254_3255del (p.Gln1085fs)

Gene: LRPPRC (leucine rich pentatricopeptide repeat containing; minus strand). Cytogenetic location: 2p21.
Variant type: Deletion.
Coding change: c.3254_3255del on transcript NM_133259.4 (MANE Select); coding-DNA positions 3254 to 3255, 2 bases deleted (AA; older notation c.3254_3255delAA).
Protein change: p.Gln1085fs; shifts the reading frame from glutamine 1085.
Molecular consequence: frameshift variant.
Genome position (GRCh38, 1-based): chr2:43,912,452-43,912,453, TT deleted on the plus strand (AA on the coding strand, the reverse complement: LRPPRC is on the minus strand). VCF-style (leftmost placement, unchanged base first): chr2-43912451-CTT-C. GRCh37 (hg19) VCF-style: chr2-44139590-CTT-C.
Other names: short protein forms Q1085fs.
Identifiers: ClinVar variation 2676316 (VCV002676316.5), dbSNP rs755973480, ClinGen allele CA1638140.

ClinVar aggregate classification (germline): Pathogenic (1 of 4 stars; one submission).

Allele frequency attached by ClinVar (database versions not stated): gnomAD exomes below 0.00001; TOPMed below 0.00001; ExAC 0.00001; gnomAD 0.00001; ESP Exome Variant Server 0.00008.

Submission:

Labcorp Genetics (formerly Invitae), Labcorp
Classification: Pathogenic. Last evaluated: 2022-10-28. Review status: criteria provided, single submitter. Criteria: Invitae Variant Classification Sherloc (09022015). Collection method: clinical testing. Allele origin: germline.
Comment: This sequence change creates a premature translational stop signal (p.Gln1085Argfs*31) in the LRPPRC gene. It is expected to result in an absent or disrupted protein product. Loss-of-function variants in LRPPRC are known to be pathogenic (PMID: 26510951). This variant is not present in population databases (gnomAD no frequency). This variant has not been reported in the literature in individuals affected with LRPPRC-related conditions. For these reasons, this variant has been classified as Pathogenic.

Literature cited by the submitters: PubMed 26510951.